The following is an entry in ClinVar:

ClinVar aggregate classification (germline): Uncertain significance (1 of 4 stars; one submission).

Submission:

GeneDx
Classification: Uncertain significance. Last evaluated: 2026-03-09. Review status: criteria provided, single submitter. Criteria: GeneDx Variant Classification Process June 2021. Collection method: clinical testing. Allele origin: germline.
Comment: Not observed at significant frequency in large population cohorts (gnomAD); In silico analysis suggests that this missense variant does not alter protein structure/function; Has not been previously published as pathogenic or benign to our knowledge; This substitution is predicted to be within the C-terminal cytoplasmic domain

NM_001040142.2(SCN2A):c.5543G>A (p.Ser1848Asn)

Gene: SCN2A (sodium voltage-gated channel alpha subunit 2; plus strand). Cytogenetic location: 2q24.3.
Variant type: single nucleotide variant.
Coding change: c.5543G>A on transcript NM_001040142.2 (MANE Select); coding-DNA position 5543, G replaced by A.
Protein change: p.Ser1848Asn; replaces serine 1848 with asparagine.
Molecular consequence: missense variant.
Genome position (GRCh38, 1-based): chr2:165,389,349, G>A. VCF-style: chr2-165389349-G-A. GRCh37 (hg19) VCF-style: chr2-166245859-G-A.
Other names: c.5543G>A, p.Ser1848Asn (NM_001040143.2, NM_001371246.1, NM_001371247.1 and 1 more transcripts); short protein forms S1848N.
Identifiers: ClinVar variation 4530736 (VCV004530736.2).